The following is an entry in ClinVar:

ClinVar aggregate classification (germline): Uncertain significance (1 of 4 stars; one submission).

Submission:

CeGaT Center for Human Genetics Tuebingen
Classification: Uncertain significance. Last evaluated: 2023-04-01. Review status: criteria provided, single submitter. Criteria: CeGaT Center For Human Genetics Tuebingen Variant Classification Criteria Version 2. Collection method: clinical testing. Allele origin: germline. Affected: yes. Observed: 1 variant allele.
Comment: SCN8A: PM2:Supporting, PP2

NM_001330260.2(SCN8A):c.5149C>T (p.Arg1717Cys)

Gene: SCN8A (sodium voltage-gated channel alpha subunit 8; plus strand). Cytogenetic location: 12q13.13.
Variant type: single nucleotide variant.
Coding change: c.5149C>T on transcript NM_001330260.2 (MANE Select); coding-DNA position 5149, C replaced by T.
Protein change: p.Arg1717Cys; replaces arginine 1717 with cysteine.
Molecular consequence: missense variant.
Genome position (GRCh38, 1-based): chr12:51,806,635, C>T. VCF-style: chr12-51806635-C-T. GRCh37 (hg19) VCF-style: chr12-52200419-C-T.
Other names: c.5026C>T, p.Arg1676Cys (NM_001177984.3, NM_001369788.1); c.5149C>T, p.Arg1717Cys (NM_014191.4); short protein forms R1676C, R1717C.
Identifiers: ClinVar variation 2570831 (VCV002570831.27), dbSNP rs1451912147, ClinGen allele CA384883901.